The following is an entry in ClinVar:

NM_000195.5(HPS1):c.1398-1G>A

Gene: HPS1 (HPS1 biogenesis of lysosomal organelles complex 3 subunit 1; minus strand). Cytogenetic location: 10q24.2.
Variant type: single nucleotide variant.
Coding change: c.1398-1G>A on transcript NM_000195.5 (MANE Select); the canonical splice acceptor site of the intron before coding-DNA position 1398, G replaced by A.
Molecular consequence: splice acceptor variant.
Genome position (GRCh38, 1-based): chr10:98,423,888, C>T on the plus strand (G>A on the coding strand, the complement: HPS1 is on the minus strand). VCF-style: chr10-98423888-C-T. GRCh37 (hg19) VCF-style: chr10-100183645-C-T.
Other names: c.1029-1G>A (NM_001322483.2, NM_001322484.2); c.1137-1G>A (NM_001322480.2, NM_001322481.2); c.1299-1G>A (NM_001322478.2, NM_001322479.2); c.1398-1G>A (NM_001322476.2, NM_001322477.2); c.930-1G>A (NM_001322485.2); c.1038-1G>A (NM_001322482.2); c.426-1G>A (NM_001322489.2, NM_001311345.2, NM_001322487.2).
Identifiers: ClinVar variation 3377185 (VCV003377185.3).

ClinVar aggregate classification (germline): Likely pathogenic (1 of 4 stars; one submission).

Conditions:
Hermansky-Pudlak syndrome 1 (HPS1). Also called: DELTA STORAGE POOL DISEASE. Identifiers: Orphanet 231500, Orphanet 79430, MedGen C2931875, MONDO:0008748, OMIM 203300.

Submission:

Victorian Clinical Genetics Services, Murdoch Childrens Research Institute
Classification: Likely pathogenic for Hermansky-Pudlak syndrome 1. Last evaluated: 2024-10-23. Review status: criteria provided, single submitter. Criteria: ACMG Guidelines, 2015. Collection method: clinical testing. Allele origin: germline. Affected: yes.
Comment: This variant is classified as Likely pathogenic. Evidence in support of pathogenic classification: Canonical splice site variant without proven consequence on splicing (no functional evidence available); Variant is absent from gnomAD (both v2 and v3); Abnormal splicing is predicted by in silico tools and affected nucleotide is highly conserved; Heterozygous variant detected in trans with a second PATHOGENIC heterozygous variant (NC_000010.11:g.98442763_98444656del) in a recessive disease. Additional information: This variant is heterozygous; This gene is associated with autosomal recessive disease; This variant has no previous evidence of pathogenicity; No published segregation evidence has been identified for this variant; No published functional evidence has been identified for this variant; No comparable splice site variants have previous evidence for pathogenicity; Loss of function is a known mechanism of disease in this gene and is associated with Hermansky-Pudlak syndrome 1 (MIM#203300).